The following is an entry in ClinVar:

ClinVar aggregate classification (germline): Uncertain significance (1 of 4 stars; one submission).

Conditions:
BBS9-related disorder. Also called: BBS9-related condition.

gnomAD v4.1: 2 of 152,300 alleles (0.0013%); highest among the groups gnomAD compares: South Asian, 0.041%; no homozygotes.

Submission:

PreventionGenetics, part of Exact Sciences
Classification: Uncertain significance for BBS9-related condition. Last evaluated: 2025-06-20. Review status: criteria provided, single submitter. Criteria: ACMG Guidelines, 2015. Collection method: clinical testing. Allele origin: germline.
Comment: The BBS9 c.2723G>A variant is predicted to result in the amino acid substitution p.Ser908Asn. This variant has been reported in an individual diagnosed with obesity; a second variant in BBS9 was not reported (Mohammed et al. 2023. PubMed ID 3732917). This variant is not present in a large population database (gnomAD), indicating the variant is rare. At this time, the clinical significance of this variant is uncertain due to the absence of conclusive functional and genetic evidence.

NM_001348041.4(BBS9):c.2723G>A (p.Ser908Asn)

Gene: BBS9 (Bardet-Biedl syndrome 9; plus strand). Cytogenetic location: 7p14.3.
Variant type: single nucleotide variant.
Coding change: c.2723G>A on transcript NM_001348041.4; coding-DNA position 2723, G replaced by A.
Protein change: p.Ser908Asn; replaces serine 908 with asparagine.
Molecular consequence: missense variant.
Genome position (GRCh38, 1-based): chr7:33,635,267, G>A. VCF-style: chr7-33635267-G-A. GRCh37 (hg19) VCF-style: chr7-33674879-G-A.
Other names: c.2612G>A, p.Ser871Asn (NM_001362679.1); short protein forms S871N, S908N.
Identifiers: ClinVar variation 3348999 (VCV003348999.2).